The following is an entry in ClinVar:

ClinVar aggregate classification (germline): Benign/Likely benign. Review status: criteria provided, multiple submitters, no conflicts (2 of 4 stars). 7 submissions from 7 submitters: Benign (2); Likely benign (5). Last evaluated 2026-04-27.

Conditions:
SZT2-related disorder. Also called: SZT2-related condition.
Inborn genetic diseases. Identifiers: MedGen C0950123, MeSH D030342.
Developmental and epileptic encephalopathy, 18 (DEE18). Also called: Early infantile epileptic encephalopathy 18. Identifiers: Orphanet 369894, MedGen C3809624, MONDO:0014201, OMIM 615476.

Allele frequency attached by ClinVar (database versions not stated): gnomAD 0.00004 and 0.00007; TOPMed 0.00012; 1000 Genomes Project 30x 0.00016; 1000 Genomes Project 0.00020; gnomAD exomes 0.00022 and 0.00024; ExAC 0.00030.
gnomAD v4.1: 337 of 1,614,128 alleles (0.021%); highest among the groups gnomAD compares: East Asian, 0.64%; 6 homozygotes.

Submissions (7):

Women's Health and Genetics/Laboratory Corporation of America, LabCorp
Classification: Likely benign. Last evaluated: 2026-04-27. Review status: criteria provided, single submitter. Criteria: LabCorp Variant Classification Summary - May 2015. Collection method: clinical testing. Allele origin: germline.

Labcorp Genetics (formerly Invitae), Labcorp
Classification: Benign. Last evaluated: 2025-12-21. Review status: criteria provided, single submitter. Criteria: Invitae Variant Classification Sherloc (09022015). Collection method: clinical testing. Allele origin: germline.

PreventionGenetics, part of Exact Sciences
Classification: Likely benign for SZT2-related condition. Last evaluated: 2025-03-06. Review status: criteria provided, single submitter. Criteria: ACMG Guidelines, 2015. Collection method: clinical testing. Allele origin: germline.
Comment: This variant is classified as likely benign based on ACMG/AMP sequence variant interpretation guidelines (Richards et al. 2015 PMID: 25741868, with internal and published modifications).

Genome-Nilou Lab
Classification: Benign for Developmental and epileptic encephalopathy, 18. Last evaluated: 2023-04-11. Review status: criteria provided, single submitter. Criteria: ACMG Guidelines, 2015. Collection method: clinical testing. Allele origin: germline. Affected: no.

CeGaT Center for Human Genetics Tuebingen
Classification: Likely benign. Last evaluated: 2022-03-01. Review status: criteria provided, single submitter. Criteria: CeGaT Center For Human Genetics Tuebingen Variant Classification Criteria Version 2. Collection method: clinical testing. Allele origin: germline. Affected: yes. Observed: 2 variant alleles.
Comment: SZT2: BP4, BP7

GeneDx
Classification: Likely benign. Last evaluated: 2021-06-23. Review status: criteria provided, single submitter. Criteria: GeneDx Variant Classification Process June 2021. Collection method: clinical testing. Allele origin: germline. Affected: yes.

Ambry Genetics
Classification: Likely benign for Inborn genetic diseases. Last evaluated: 2019-02-25. Review status: criteria provided, single submitter. Criteria: Ambry Variant Classification Scheme 2023. Collection method: clinical testing. Allele origin: germline.

NM_001365999.1(SZT2):c.8319T>G (p.Ala2773=)

Gene: SZT2 (SZT2 subunit of KICSTOR complex; plus strand). Cytogenetic location: 1p34.2.
Variant type: single nucleotide variant.
Coding change: c.8319T>G on transcript NM_001365999.1 (MANE Select); coding-DNA position 8319, T replaced by G.
Protein change: p.Ala2773=; no amino-acid change (alanine 2773 retained).
Molecular consequence: synonymous variant.
Genome position (GRCh38, 1-based): chr1:43,442,986, T>G. VCF-style: chr1-43442986-T-G. GRCh37 (hg19) VCF-style: chr1-43908657-T-G.
Other names: c.8148T>G, p.Ala2716= (NM_015284.4).
Identifiers: ClinVar variation 698672 (VCV000698672.48), dbSNP rs149672814, ClinGen allele CA810509.